The following is an entry in ClinVar:

NM_000051.4(ATM):c.2107A>C (p.Asn703His)

Gene: ATM (ATM serine/threonine kinase; plus strand). Cytogenetic location: 11q22.3.
Variant type: single nucleotide variant.
Coding change: c.2107A>C on transcript NM_000051.4 (MANE Select); coding-DNA position 2107, A replaced by C.
Protein change: p.Asn703His; replaces asparagine 703 with histidine.
Molecular consequence: missense variant.
Genome position (GRCh38, 1-based): chr11:108,254,022, A>C. VCF-style: chr11-108254022-A-C. GRCh37 (hg19) VCF-style: chr11-108124749-A-C.
Other names: c.2107A>C, p.Asn703His (NM_001351834.2); short protein forms N703H.
Identifiers: ClinVar variation 1502027 (VCV001502027.6), dbSNP rs2135371578, ClinGen allele CA382537712.

ClinVar aggregate classification (germline): Uncertain significance (1 of 4 stars; one submission).

Conditions:
Ataxia-telangiectasia syndrome (AT). Also called: Cerebello-oculocutaneous telangiectasia; Immunodeficiency with ataxia telangiectasia; AT, COMPLEMENTATION GROUP C; ATAXIA-TELANGIECTASIA, COMPLEMENTATION GROUP A; ATAXIA-TELANGIECTASIA, FRESNO VARIANT; LOUIS-BAR SYNDROME. Identifiers: Orphanet 100, MedGen C0004135, MONDO:0008840, OMIM 208900.

Submission:

Labcorp Genetics (formerly Invitae), Labcorp
Classification: Uncertain significance for Ataxia-telangiectasia syndrome. Last evaluated: 2021-09-04. Review status: criteria provided, single submitter. Criteria: Invitae Variant Classification Sherloc (09022015). Collection method: clinical testing. Allele origin: germline.
Comment: This variant has not been reported in the literature in individuals affected with ATM-related conditions. Advanced modeling of protein sequence and biophysical properties (such as structural, functional, and spatial information, amino acid conservation, physicochemical variation, residue mobility, and thermodynamic stability) performed at Invitae indicates that this missense variant is not expected to disrupt ATM protein function. In summary, the available evidence is currently insufficient to determine the role of this variant in disease. Therefore, it has been classified as a Variant of Uncertain Significance. This variant is not present in population databases (ExAC no frequency). This sequence change replaces asparagine with histidine at codon 703 of the ATM protein (p.Asn703His). The asparagine residue is weakly conserved and there is a small physicochemical difference between asparagine and histidine.